The following is an entry in ClinVar:

ClinVar aggregate classification (germline): Uncertain significance. Review status: criteria provided, multiple submitters, no conflicts (2 of 4 stars). 2 submissions from 2 submitters: Uncertain significance (2). Last evaluated 2025-04-09.

Conditions:
Cardiovascular phenotype. Identifiers: MedGen CN230736.
Long QT syndrome (LQTS). Identifiers: MedGen C0023976, MeSH D008133, MONDO:0002442. Disease mechanism: loss of function. Inheritance: Various modes of inheritance.

Allele frequency attached by ClinVar (database versions not stated): gnomAD exomes below 0.00001; gnomAD 0.00001; TOPMed 0.00001.
gnomAD v4.1: 2 of 1,613,636 alleles (0.00012%); highest among the groups gnomAD compares: Admixed American, 0.0017%; no homozygotes.

Submissions (2):

Molecular Diagnostic Laboratory for Inherited Cardiovascular Disease, Montreal Heart Institute
Classification: Uncertain significance for Cardiovascular phenotype. Last evaluated: 2025-04-09. Review status: criteria provided, single submitter. Criteria: ACMG Guidelines, 2015. Collection method: clinical testing. Allele origin: germline. Affected: yes.

Labcorp Genetics (formerly Invitae), Labcorp
Classification: Uncertain significance for Long QT syndrome. Last evaluated: 2023-07-03. Review status: criteria provided, single submitter. Criteria: Invitae Variant Classification Sherloc (09022015). Collection method: clinical testing. Allele origin: germline.
Comment: In summary, the available evidence is currently insufficient to determine the role of this variant in disease. Therefore, it has been classified as a Variant of Uncertain Significance. An algorithm developed to predict the effect of missense changes on protein structure and function (PolyPhen-2) suggests that this variant is likely to be disruptive. ClinVar contains an entry for this variant (Variation ID: 954476). This variant has not been reported in the literature in individuals affected with KCNH2-related conditions. This variant is present in population databases (no rsID available, gnomAD 0.003%). This sequence change replaces serine, which is neutral and polar, with phenylalanine, which is neutral and non-polar, at codon 871 of the KCNH2 protein (p.Ser871Phe).

NM_000238.4(KCNH2):c.2612C>T (p.Ser871Phe)

Gene: KCNH2 (potassium voltage-gated channel subfamily H member 2; minus strand). Cytogenetic location: 7q36.1.
Variant type: single nucleotide variant.
Coding change: c.2612C>T on transcript NM_000238.4 (MANE Select); coding-DNA position 2612, C replaced by T.
Protein change: p.Ser871Phe; replaces serine 871 with phenylalanine.
Molecular consequence: missense variant.
Genome position (GRCh38, 1-based): chr7:150,948,524, G>A on the plus strand (C>T on the coding strand, the complement: KCNH2 is on the minus strand). VCF-style: chr7-150948524-G-A. GRCh37 (hg19) VCF-style: chr7-150645612-G-A.
Other names: c.1592C>T, p.Ser531Phe (NM_172057.3); short protein forms S531F, S871F.
Identifiers: ClinVar variation 954476 (VCV000954476.10), dbSNP rs1177213407, ClinGen allele CA369853885.
Genomic context (GRCh38, chr7:150,948,524, plus strand): 5'-AAGGACAACTTGCGCTTGCGTTGCCGACTGAAGCCACCCTCTAACTCCGTACTGCCGGGG[G>A]AGCCCGGGATCATGTTGGTCTGGAACCAAAATCAGTATCAGGGCCCTTTCAGTGCTCTCC-3'
Protein context (NP_000229.1, residues 861-881): NLRDTNMIPG[Ser871Phe]PGSTELEGGF